The following is an entry in ClinVar:

ClinVar aggregate classification (germline): not provided (0 of 4 stars; one submission).

Conditions:
Gestational diabetes mellitus uncontrolled. Identifiers: MedGen C3532257.

Submission:

Institute of Molecular and Cell Biology, University of Tartu
No classification provided. Condition: Gestational diabetes mellitus uncontrolled. Review status: no classification provided. Collection method: case-control. Allele origin: unknown. Affected: yes. Study: Kasak2014.
Comment: The study aimed to determine the contribution of copy number variants in the genetic etiology of normal and complicated pregnancies. The samples represented (i) maternal blood DNA drawn from healthy pregnant women during 1st or 2nd trimester and (ii) maternal and paternal blood DNA drawn at term pregnancy cases representing normal and complicated gestations (severe preeclampsia, PE; gestational diabetes, GD; small-for-gestational age newborn, SGA; large-for-gestational age newborn, LGA). We performed CNV calling based on genome-wide genotyping dataset (Illumina HumanOmniExpress-24-v1 BeadChip) by applying three algorithms, QuantiSNP, GADA (Genome Alteration Detection Algorithm) and CNstream in parallel. The acquired CNV calls were merged with HD-CNV (Hotspot Detector for Copy Number Variants) program and only the CNVs predicted by at least two programs, were considered in subsequent analysis.

Literature cited by the submitters: PubMed 25666259.

NC_000011.10:g.34436683_34439164dup

Variant type: Duplication.
Genome position: GRCh38: chr11:34,436,683-34,439,164. GRCh37 (hg19): chr11:34,458,230-34,460,711.
Identifiers: ClinVar variation 157200 (VCV000157200.2), ClinGen allele CA10575655.